The following is an entry in ClinVar:

NM_018136.5(ASPM):c.8508_8509del (p.Lys2837fs)

Gene: ASPM (assembly factor for spindle microtubules; minus strand). Cytogenetic location: 1q31.3.
Variant type: Deletion.
Coding change: c.8508_8509del on transcript NM_018136.5 (MANE Select); coding-DNA positions 8508 to 8509, 2 bases deleted (GA; older notation c.8508_8509delGA).
Protein change: p.Lys2837fs; shifts the reading frame from lysine 2837.
Molecular consequence: frameshift variant. On other transcripts: intron variant (1).
Genome position (GRCh38, 1-based): chr1:197,100,742-197,100,743, TC deleted on the plus strand (GA on the coding strand, the reverse complement: ASPM is on the minus strand); deleting any 2 consecutive bases within chr1:197,100,742-197,100,744 gives the same sequence; the c. name uses the placement nearest the transcript's 3' end. VCF-style (leftmost placement, unchanged base first): chr1-197100741-TTC-T. GRCh37 (hg19) VCF-style: chr1-197069871-TTC-T.
Other names: c.4066-4579_4066-4578del (NM_001206846.2); c.8508_8509delGA (NM_018136.4); c.8508_8509del (NM_018136.4); short protein forms K2837fs.
Identifiers: ClinVar variation 21617 (VCV000021617.4), dbSNP rs199422180, ClinGen allele CA342284.

ClinVar aggregate classification (germline): Pathogenic. Review status: criteria provided, single submitter (1 of 4 stars). 2 submissions from 2 submitters: Pathogenic (1). 1 of the submissions does not count toward it. Last evaluated 2024-07-11.

Conditions:
Microcephaly 5, primary, autosomal recessive (MCPH5). Also called: ASPM Primary Microcephaly. Identifiers: Orphanet 2512, MedGen C1837501, MONDO:0012106, OMIM 608716.

Submissions (2):

GeneDx
Classification: Pathogenic. Last evaluated: 2024-07-11. Review status: criteria provided, single submitter. Criteria: GeneDx Variant Classification Process June 2021. Collection method: clinical testing. Allele origin: germline. Affected: yes.
Comment: Segregates in the homozygous state, with primary microcephaly, in many affected individuals from several families in published literature (PMID: 32677750, 14574646); Frameshift variant predicted to result in protein truncation or nonsense mediated decay in a gene for which loss of function is a known mechanism of disease; Not observed at significant frequency in large population cohorts (gnomAD); This variant is associated with the following publications: (PMID: 38224417, 19028728, 29431480, 14574646, 32677750)

GeneReviews
No classification provided. Condition: Microcephaly 5, primary, autosomal recessive. Review status: no classification provided. Collection method: literature only. Allele origin: unknown. Not counted in ClinVar's aggregate classification.

Literature cited by the submitters: PubMed 20301772 (cited by GeneReviews); NCBI Bookshelf NBK9587 (cited by GeneReviews).